The following is an entry in ClinVar:

ClinVar aggregate classification (germline): Uncertain significance (1 of 4 stars; one submission).

Conditions:
Neuroblastoma, susceptibility to, 3. Also called: ALK-Related Neuroblastic Tumor Susceptibility. Identifiers: Orphanet 635, MedGen C2751681, MONDO:0013083, OMIM 613014.

Submission:

Labcorp Genetics (formerly Invitae), Labcorp
Classification: Uncertain significance for Neuroblastoma, susceptibility to, 3. Last evaluated: 2024-04-16. Review status: criteria provided, single submitter. Criteria: Invitae Variant Classification Sherloc (09022015). Collection method: clinical testing. Allele origin: germline.
Comment: This sequence change falls in intron 4 of the ALK gene. It does not directly change the encoded amino acid sequence of the ALK protein. It affects a nucleotide within the consensus splice site. Information on the frequency of this variant in the gnomAD database is not available, as this variant may be reported differently in the database. This variant has not been reported in the literature in individuals affected with ALK-related conditions. Variants that disrupt the consensus splice site are a relatively common cause of aberrant splicing (PMID: 17576681, 9536098). Experimental studies and prediction algorithms are not available or were not evaluated, and the effect of this variant on mRNA splicing is currently unknown. In summary, the available evidence is currently insufficient to determine the role of this variant in disease. Therefore, it has been classified as a Variant of Uncertain Significance.

Literature cited by the submitters: PubMed 17576681; PubMed 9536098.

NM_004304.5(ALK):c.1155-4_1155-3delinsAA

Gene: ALK (ALK receptor tyrosine kinase; minus strand). Cytogenetic location: 2p23.2.
Variant type: Indel.
Coding change: c.1155-4_1155-3delinsAA on transcript NM_004304.5 (MANE Select); 4 bases into the intron before coding-DNA position 1155 through 3 bases into the intron before coding-DNA position 1155, CC replaced by AA.
Molecular consequence: intron variant.
Genome position (GRCh38, 1-based): chr2:29,383,862-29,383,863, GG replaced by TT on the plus strand (CC replaced by AA on the coding strand, the reverse complement: ALK is on the minus strand). VCF-style: chr2-29383862-GG-TT. GRCh37 (hg19) VCF-style: chr2-29606728-GG-TT.
Identifiers: ClinVar variation 3650074 (VCV003650074.2).